The following is an entry in ClinVar:

NM_021008.4(DEAF1):c.264G>T (p.Glu88Asp)

Gene: DEAF1 (DEAF1 transcription factor; minus strand). Cytogenetic location: 11p15.5.
Variant type: single nucleotide variant.
Coding change: c.264G>T on transcript NM_021008.4 (MANE Select); coding-DNA position 264, G replaced by T.
Protein change: p.Glu88Asp; replaces glutamic acid 88 with aspartic acid.
Molecular consequence: missense variant. On other transcripts: intron variant (1).
Genome position (GRCh38, 1-based): chr11:694,784, C>A on the plus strand (G>T on the coding strand, the complement: DEAF1 is on the minus strand). VCF-style: chr11-694784-C-A. GRCh37 (hg19) VCF-style: chr11-694784-C-A.
Other names: c.264G>T, p.Glu88Asp (NM_001293634.2); c.-437-3186G>T (NM_001367390.1); c.264G>T (NM_021008.2); short protein forms E88D.
Identifiers: ClinVar variation 3695937 (VCV003695937.3).
Genomic context (GRCh38, chr11:694,784, plus strand): 5'-ACCGGACGAGGCGAGAGGCCGGCGGGCGCACTTGCCTGCGAAGGCTGCGGCAGCGGCGGC[C>A]TCGTCGGGGCCGGGCAGGGCCTCGGCGCCCATGTCCATGTGCCCGGGCTCCGCCGCCATC-3'
Protein context (NP_066288.2, residues 78-98): MGAEALPGPD[Glu88Asp]AAAAAAFAEV

ClinVar aggregate classification (germline): Uncertain significance. Review status: criteria provided, multiple submitters, no conflicts (2 of 4 stars). 2 submissions from 2 submitters: Uncertain significance (2). Last evaluated 2025-06-18.

Conditions:
Inborn genetic diseases. Identifiers: MedGen C0950123, MeSH D030342.

Submissions (2):

Ambry Genetics
Classification: Uncertain significance for Inborn genetic diseases. Last evaluated: 2025-06-18. Review status: criteria provided, single submitter. Criteria: Ambry Variant Classification Scheme 2023. Collection method: clinical testing. Allele origin: germline.

Labcorp Genetics (formerly Invitae), Labcorp
Classification: Uncertain significance. Last evaluated: 2024-04-27. Review status: criteria provided, single submitter. Criteria: Invitae Variant Classification Sherloc (09022015). Collection method: clinical testing. Allele origin: germline.
Comment: This sequence change replaces glutamic acid, which is acidic and polar, with aspartic acid, which is acidic and polar, at codon 88 of the DEAF1 protein (p.Glu88Asp). This variant is not present in population databases (gnomAD no frequency). This variant has not been reported in the literature in individuals affected with DEAF1-related conditions. Advanced modeling of protein sequence and biophysical properties (such as structural, functional, and spatial information, amino acid conservation, physicochemical variation, residue mobility, and thermodynamic stability) performed at Invitae indicates that this missense variant is not expected to disrupt DEAF1 protein function with a negative predictive value of 95%. In summary, the available evidence is currently insufficient to determine the role of this variant in disease. Therefore, it has been classified as a Variant of Uncertain Significance.